The following is an entry in ClinVar:

ClinVar aggregate classification (germline): Uncertain significance. Review status: criteria provided, multiple submitters, no conflicts (2 of 4 stars). 3 submissions from 3 submitters: Uncertain significance (2). 1 of the submissions does not count toward it. Last evaluated 2021-10-04.

Conditions:
SPTBN2-related disorder. Also called: SPTBN2-related condition.
Autosomal recessive spinocerebellar ataxia 14. Also called: CEREBELLAR ATAXIA, AUTOSOMAL RECESSIVE, SPECTRIN-ASSOCIATED, 1. Identifiers: Orphanet 352403, MedGen C4706415, MONDO:0014159, OMIM 615386.
Spinocerebellar ataxia type 5 (SCA5). Identifiers: Orphanet 98766, MedGen C0752123, MONDO:0010848, OMIM 600224.

Allele frequency attached by ClinVar (database versions not stated): gnomAD 0.00002 and 0.00003; ExAC 0.00003; gnomAD exomes 0.00003; TOPMed 0.00004.

Submissions (3):

Fulgent Genetics
Classification: Uncertain significance for Spinocerebellar ataxia type 5; Autosomal recessive spinocerebellar ataxia 14. Last evaluated: 2021-10-04. Review status: criteria provided, single submitter. Criteria: ACMG Guidelines, 2015. Collection method: clinical testing. Allele origin: unknown.

Athena Diagnostics
Classification: Uncertain significance. Last evaluated: 2020-04-03. Review status: criteria provided, single submitter. Criteria: Athena Diagnostics Criteria. Collection method: clinical testing. Allele origin: unknown.

PreventionGenetics, part of Exact Sciences
Classification: Likely benign for SPTBN2-related condition. Last evaluated: 2024-07-08. Review status: no assertion criteria provided. Collection method: clinical testing. Allele origin: germline. Not counted in ClinVar's aggregate classification.
Comment: This variant is classified as likely benign based on ACMG/AMP sequence variant interpretation guidelines (Richards et al. 2015 PMID: 25741868, with internal and published modifications).

NM_006946.4(SPTBN2):c.6591C>T (p.Ser2197=)

Gene: SPTBN2 (spectrin beta, non-erythrocytic 2; minus strand). Cytogenetic location: 11q13.2.
Variant type: single nucleotide variant.
Coding change: c.6591C>T on transcript NM_006946.4 (MANE Select); coding-DNA position 6591, C replaced by T.
Protein change: p.Ser2197=; no amino-acid change (serine 2197 retained).
Molecular consequence: synonymous variant.
Genome position (GRCh38, 1-based): chr11:66,687,558, G>A on the plus strand (C>T on the coding strand, the complement: SPTBN2 is on the minus strand). VCF-style: chr11-66687558-G-A. GRCh37 (hg19) VCF-style: chr11-66455029-G-A.
Identifiers: ClinVar variation 994477 (VCV000994477.3), dbSNP rs778388054, ClinGen allele CA6127851.